The following is an entry in ClinVar:

NM_000203.5(IDUA):c.1544C>G (p.Pro515Arg)

Gene: IDUA (alpha-L-iduronidase; plus strand). Cytogenetic location: 4p16.3.
Variant type: single nucleotide variant.
Coding change: c.1544C>G on transcript NM_000203.5 (MANE Select); coding-DNA position 1544, C replaced by G.
Protein change: p.Pro515Arg; replaces proline 515 with arginine.
Molecular consequence: missense variant. On other transcripts: non-coding transcript variant (1).
Genome position (GRCh38, 1-based): chr4:1,003,364, C>G. VCF-style: chr4-1003364-C-G. GRCh37 (hg19) VCF-style: chr4-997152-C-G.
Other names: c.1148C>G, p.Pro383Arg (NM_001363576.1); short protein forms P515R, P383R.
Identifiers: ClinVar variation 3636986 (VCV003636986.2).

ClinVar aggregate classification (germline): Uncertain significance (1 of 4 stars; one submission).

Conditions:
Mucopolysaccharidosis type 1. Also called: IDUA deficiency; MPS I; Mucopolysaccharidosis Type I. Identifiers: Orphanet 579, MedGen C0023786, MONDO:0001586.

Submission:

Labcorp Genetics (formerly Invitae), Labcorp
Classification: Uncertain significance for Mucopolysaccharidosis type 1. Last evaluated: 2024-08-19. Review status: criteria provided, single submitter. Criteria: Invitae Variant Classification Sherloc (09022015). Collection method: clinical testing. Allele origin: germline.
Comment: This sequence change replaces proline, which is neutral and non-polar, with arginine, which is basic and polar, at codon 515 of the IDUA protein (p.Pro515Arg). This variant is not present in population databases (gnomAD no frequency). This missense change has been observed in individual(s) with a positive newborn screening result for IDUA-related disease (Invitae). Invitae Evidence Modeling of protein sequence and biophysical properties (such as structural, functional, and spatial information, amino acid conservation, physicochemical variation, residue mobility, and thermodynamic stability) indicates that this missense variant is expected to disrupt IDUA protein function with a positive predictive value of 80%. In summary, the available evidence is currently insufficient to determine the role of this variant in disease. Therefore, it has been classified as a Variant of Uncertain Significance.